The following is an entry in ClinVar:

ClinVar aggregate classification (germline): Uncertain significance. Review status: criteria provided, multiple submitters, no conflicts (2 of 4 stars). 4 submissions from 4 submitters: Uncertain significance (4). Last evaluated 2026-09-08.

Conditions:
Hereditary breast ovarian cancer syndrome. Also called: Hereditary breast and ovarian cancer syndrome; Hereditary breast and ovarian cancer; Hereditary breast and ovarian cancer syndrome (HBOC); Breast and ovarian cancer; BRCA1- and BRCA2-Associated Hereditary Breast and Ovarian Cancer; Hereditary breast and/or ovarian cancer syndrome. Identifiers: Orphanet 145, MedGen C0677776, MeSH D061325, MONDO:0003582. Disease mechanism: loss of function.
Hereditary cancer-predisposing syndrome. Also called: Tumor predisposition; Neoplastic Syndromes, Hereditary; Hereditary Cancer Syndrome; Hereditary neoplastic syndrome. Identifiers: Orphanet 140162, MedGen C0027672, MeSH D009386, MONDO:0015356.
Fanconi anemia complementation group O. Also called: RAD51C-Related Fanconi Anemia. Identifiers: Orphanet 84, MedGen C3150653, MONDO:0013248, OMIM 613390.

Allele frequency attached by ClinVar (database versions not stated): gnomAD exomes below 0.00001; ExAC 0.00001.
gnomAD v4.1: 1 of 1,614,188 alleles (0.000062%); highest among the groups gnomAD compares: Non-Finnish European, 0.000085%; no homozygotes.

Submissions (4):

German Consortium for Hereditary Breast and Ovarian Cancer, University Hospital Cologne
Classification: Uncertain significance for Hereditary breast ovarian cancer syndrome. Last evaluated: 2026-09-08. Review status: criteria provided, single submitter. Criteria: ACMG SVI. Collection method: curation. Allele origin: germline.
Comment: This classification follows the ACMG SVI adaptation classification scheme; We chose these criteria: PS3 (strong pathogenic): Olvera-León (2024, PMID: 39299233): Fast Depleted & Hu (2023, PMID: 37253112): Deleterious, PM2 (supporting pathogenic): 1xhet in gnomAD v4

Institute for Clinical Genetics, University Hospital TU Dresden, University Hospital TU Dresden
Classification: Uncertain significance. Last evaluated: 2021-11-03. Review status: criteria provided, single submitter. Criteria: ACMG Guidelines, 2015. Collection method: clinical testing. Allele origin: germline.

Labcorp Genetics (formerly Invitae), Labcorp
Classification: Uncertain significance for Fanconi anemia complementation group O. Last evaluated: 2021-02-27. Review status: criteria provided, single submitter. Criteria: Invitae Variant Classification Sherloc (09022015). Collection method: clinical testing. Allele origin: germline.
Comment: This sequence change replaces valine with glutamic acid at codon 140 of the RAD51C protein (p.Val140Glu). The valine residue is highly conserved and there is a moderate physicochemical difference between valine and glutamic acid. The frequency data for this variant in the population databases is considered unreliable, as metrics indicate poor data quality at this position in the ExAC database. This variant has not been reported in the literature in individuals with RAD51C-related conditions. Algorithms developed to predict the effect of missense changes on protein structure and function (SIFT, PolyPhen-2, Align-GVGD) all suggest that this variant is likely to be disruptive, but these predictions have not been confirmed by published functional studies and their clinical significance is uncertain. In summary, the available evidence is currently insufficient to determine the role of this variant in disease. Therefore, it has been classified as a Variant of Uncertain Significance.

Color Diagnostics, LLC DBA Color Health
Classification: Uncertain significance for Hereditary cancer-predisposing syndrome. Last evaluated: 2019-04-24. Review status: criteria provided, single submitter. Criteria: ACMG Guidelines, 2015. Collection method: clinical testing. Allele origin: germline.

NM_058216.3(RAD51C):c.419T>A (p.Val140Glu)

Gene: RAD51C (RAD51 paralog C; plus strand). Cytogenetic location: 17q22.
Variant type: single nucleotide variant.
Coding change: c.419T>A on transcript NM_058216.3 (MANE Select); coding-DNA position 419, T replaced by A.
Protein change: p.Val140Glu; replaces valine 140 with glutamic acid.
Molecular consequence: missense variant.
Genome position (GRCh38, 1-based): chr17:58,696,707, T>A. VCF-style: chr17-58696707-T-A. GRCh37 (hg19) VCF-style: chr17-56774068-T-A.
Other names: short protein forms V140E.
Identifiers: ClinVar variation 920047 (VCV000920047.14), dbSNP rs767247010, ClinGen allele CA8677226.